The following is an entry in ClinVar:

NM_001035.3(RYR2):c.464-13C>T

Gene: RYR2 (ryanodine receptor 2; plus strand). Cytogenetic location: 1q43.
Variant type: single nucleotide variant.
Coding change: c.464-13C>T on transcript NM_001035.3 (MANE Select); 13 bases into the intron before coding-DNA position 464, C replaced by T.
Molecular consequence: intron variant.
Genome position (GRCh38, 1-based): chr1:237,377,310, C>T. VCF-style: chr1-237377310-C-T. GRCh37 (hg19) VCF-style: chr1-237540610-C-T.
Identifiers: ClinVar variation 918714 (VCV000918714.12), dbSNP rs372610981, ClinGen allele CA086673.

ClinVar aggregate classification (germline): Likely benign. Review status: criteria provided, multiple submitters, no conflicts (2 of 4 stars). 3 submissions from 3 submitters: Likely benign (3). Last evaluated 2025-12-10.

Conditions:
Catecholaminergic polymorphic ventricular tachycardia 1. Also called: VENTRICULAR TACHYCARDIA, CATECHOLAMINERGIC POLYMORPHIC, 1, WITH OR WITHOUT ATRIAL DYSFUNCTION AND/OR DILATED CARDIOMYOPATHY; RYR2-Related Catecholaminergic Polymorphic Ventricular Tachycardia; VENTRICULAR TACHYCARDIA, STRESS-INDUCED POLYMORPHIC 1. Identifiers: Orphanet 3286, MedGen C1631597, MONDO:0011484, OMIM 604772.
Catecholaminergic polymorphic ventricular tachycardia (CVPT). Also called: Catecholamine-induced polymorphic ventricular tachycardia. Identifiers: Orphanet 3286, MedGen C5574922, MONDO:0017990.
Cardiomyopathy (CMYO). Also called: Cardiomyopathies. Identifiers: Orphanet 167848, MedGen C0878544, MONDO:0004994, HP:0001638. Inheritance: Various modes of inheritance.

Allele frequency attached by ClinVar (database versions not stated): gnomAD exomes 0.00002; TOPMed 0.00002; ExAC 0.00003; gnomAD 0.00003; ESP Exome Variant Server 0.00008.
gnomAD v4.1: 30 of 1,584,364 alleles (0.0019%); highest among the groups gnomAD compares: Admixed American, 0.0035%; no homozygotes.

Submissions (3):

Labcorp Genetics (formerly Invitae), Labcorp
Classification: Likely benign for Catecholaminergic polymorphic ventricular tachycardia 1. Last evaluated: 2025-12-10. Review status: criteria provided, single submitter. Criteria: Invitae Variant Classification Sherloc (09022015). Collection method: clinical testing. Allele origin: germline.

All of Us Research Program, National Institutes of Health
Classification: Likely benign for Catecholaminergic polymorphic ventricular tachycardia. Last evaluated: 2024-02-05. Review status: criteria provided, single submitter. Criteria: ACMG Guidelines, 2015. Collection method: clinical testing. Allele origin: germline. Inheritance: Autosomal dominant inheritance. Observed: 2 variant alleles, 2 heterozygotes.
Comment: This study involves interpretation of variants in research participants for the purpose of population health screening. Participant phenotype was not available at the time of variant classification. Additional details can be found in publication PMID: 35346344, PMCID: PMC8962531

Color Diagnostics, LLC DBA Color Health
Classification: Likely benign for Cardiomyopathy. Last evaluated: 2019-09-04. Review status: criteria provided, single submitter. Criteria: ACMG Guidelines, 2015. Collection method: clinical testing. Allele origin: germline.